The following is an entry in ClinVar:

ClinVar aggregate classification (germline): Benign/Likely benign. Review status: criteria provided, multiple submitters, no conflicts (2 of 4 stars). 4 submissions from 4 submitters: Benign (1); Likely benign (3). Last evaluated 2025-09-24.

Conditions:
Hereditary cancer-predisposing syndrome. Also called: Neoplastic Syndromes, Hereditary; Hereditary Cancer Syndrome; Hereditary neoplastic syndrome; Tumor predisposition. Identifiers: Orphanet 140162, MedGen C0027672, MeSH D009386, MONDO:0015356.
Familial cancer of breast. Also called: hereditary breast carcinoma; Hereditary breast cancer; BREAST CANCER, FAMILIAL. Identifiers: Orphanet 227535, MedGen C0346153, MONDO:0016419, OMIM 114480. Disease mechanism: loss of function.
Ataxia-telangiectasia syndrome (AT). Also called: Ataxia-telangiectasia, complementation group D; AT, COMPLEMENTATION GROUP C; ATAXIA-TELANGIECTASIA, COMPLEMENTATION GROUP A; ATAXIA-TELANGIECTASIA, FRESNO VARIANT; Cerebello-oculocutaneous telangiectasia; Immunodeficiency with ataxia telangiectasia. Identifiers: Orphanet 100, MedGen C0004135, MONDO:0008840, OMIM 208900.

Allele frequency attached by ClinVar (database versions not stated): TOPMed below 0.00001.
gnomAD v4.1: 1 of 1,613,914 alleles (0.000062%); highest among the groups gnomAD compares: Non-Finnish European, 0.000085%; no homozygotes.

Submissions (4):

Labcorp Genetics (formerly Invitae), Labcorp
Classification: Likely benign for Ataxia-telangiectasia syndrome. Last evaluated: 2025-09-24. Review status: criteria provided, single submitter. Criteria: Invitae Variant Classification Sherloc (09022015). Collection method: clinical testing. Allele origin: germline.

Myriad Genetics, Inc.
Classification: Benign for Familial cancer of breast. Last evaluated: 2024-05-15. Review status: criteria provided, single submitter. Criteria: Myriad Autosomal Dominant, Autosomal Recessive and X-Linked Classification Criteria (2023). Collection method: clinical testing. Allele origin: unknown.
Comment: This variant is considered benign. This variant is a silent/synonymous amino acid change and it is not expected to impact splicing.

Blueprint Genetics
Classification: Likely benign. Last evaluated: 2021-03-18. Review status: criteria provided, single submitter. Criteria: ACMG Guidelines, 2015. Collection method: clinical testing. Allele origin: germline.

Ambry Genetics
Classification: Likely benign for Hereditary cancer-predisposing syndrome. Last evaluated: 2018-02-21. Review status: criteria provided, single submitter. Criteria: Ambry Variant Classification Scheme 2023. Collection method: clinical testing. Allele origin: germline.

NM_000051.4(ATM):c.3915C>T (p.Asp1305=)

Gene: ATM (ATM serine/threonine kinase; plus strand). Cytogenetic location: 11q22.3.
Variant type: single nucleotide variant.
Coding change: c.3915C>T on transcript NM_000051.4 (MANE Select); coding-DNA position 3915, C replaced by T.
Protein change: p.Asp1305=; no amino-acid change (aspartic acid 1305 retained).
Molecular consequence: synonymous variant.
Genome position (GRCh38, 1-based): chr11:108,284,395, C>T. VCF-style: chr11-108284395-C-T. GRCh37 (hg19) VCF-style: chr11-108155122-C-T.
Other names: c.3915C>T, p.Asp1305= (NM_001351834.2).
Identifiers: ClinVar variation 453493 (VCV000453493.14), dbSNP rs1429663437, ClinGen allele CA476744892.